The following is an entry in ClinVar:

NM_001631.5(ALPI):c.660C>T (p.Gly220=)

Gene: ALPI (alkaline phosphatase, intestinal; plus strand). Cytogenetic location: 2q37.1.
Variant type: single nucleotide variant.
Coding change: c.660C>T on transcript NM_001631.5 (MANE Select); coding-DNA position 660, C replaced by T.
Protein change: p.Gly220=; no amino-acid change (glycine 220 retained).
Molecular consequence: synonymous variant.
Genome position (GRCh38, 1-based): chr2:232,457,576, C>T. VCF-style: chr2-232457576-C-T. GRCh37 (hg19) VCF-style: chr2-233322286-C-T.
Other names: p.Gly220=.
Identifiers: ClinVar variation 3040507 (VCV003040507.4), dbSNP rs139371546, ClinGen allele CA2166468.

ClinVar aggregate classification (germline): Likely benign. Review status: criteria provided, multiple submitters, no conflicts (2 of 4 stars). 3 submissions from 3 submitters: Likely benign (2). 1 of the submissions does not count toward it. Last evaluated 2025-05-15.

Conditions:
ALPI-related disorder. Also called: ALPI-related condition.

Allele frequency attached by ClinVar (database versions not stated): 1000 Genomes Project 0.00020; 1000 Genomes Project 30x 0.00047; ESP Exome Variant Server 0.00092; ExAC 0.00095; gnomAD 0.00106; TOPMed 0.00131.
gnomAD v4.1: 2,664 of 1,610,292 alleles (0.17%); highest among the groups gnomAD compares: Middle Eastern, 0.33%; 2 homozygotes.

Submissions (3):

Mayo Clinic Laboratories, Mayo Clinic
Classification: Likely benign. Last evaluated: 2025-05-15. Review status: criteria provided, single submitter. Criteria: ACMG Guidelines, 2015. Collection method: clinical testing. Allele origin: germline. Observed: 1 variant allele.
Comment: BP4, BP7

Blueprint Genetics
Classification: Likely benign. Last evaluated: 2024-10-16. Review status: criteria provided, single submitter. Criteria: ACMG Guidelines, 2015. Collection method: clinical testing. Allele origin: germline.

PreventionGenetics, part of Exact Sciences
Classification: Likely benign for ALPI-related condition. Last evaluated: 2019-09-20. Review status: no assertion criteria provided. Collection method: clinical testing. Allele origin: germline. Not counted in ClinVar's aggregate classification.
Comment: This variant is classified as likely benign based on ACMG/AMP sequence variant interpretation guidelines (Richards et al. 2015 PMID: 25741868, with internal and published modifications).